The following is an entry in ClinVar:

NM_024426.6(WT1):c.689C>T (p.Thr230Met)

Gene: WT1 (WT1 transcription factor; minus strand). Cytogenetic location: 11p13.
Variant type: single nucleotide variant.
Coding change: c.689C>T on transcript NM_024426.6 (MANE Select); coding-DNA position 689, C replaced by T.
Protein change: p.Thr230Met; replaces threonine 230 with methionine.
Molecular consequence: missense variant. On other transcripts: non-coding transcript variant (1).
Genome position (GRCh38, 1-based): chr11:32,428,592, G>A on the plus strand (C>T on the coding strand, the complement: WT1 is on the minus strand). VCF-style: chr11-32428592-G-A. GRCh37 (hg19) VCF-style: chr11-32450138-G-A.
Other names: c.38C>T, p.Thr13Met (NM_001198551.2, NM_001198552.2); c.689C>T, p.Thr230Met (NM_000378.6, NM_001407044.1, NM_001407045.1 and 4 more transcripts); c.-74C>T (NM_001407051.1); c.674C>T, p.Thr225Met (NM_024425.2); short protein forms T13M, T230M.
Identifiers: ClinVar variation 572953 (VCV000572953.14), dbSNP rs777166391, ClinGen allele CA065478.
Genomic context (GRCh38, chr11:32,428,592, plus strand): 5'-TTGAATGAGTGGTTGGGGAACTGCGCCGCATGGTGCGAGGGCGTGTGACCGTAGCTGGGC[G>A]TCCCGTCGAAGGTGACCGTGCTGTAACCTGCGGGAGCGGCGGAGAGAAGCACAGTGTCAG-3'
Protein context (NP_077744.4, residues 220-240): QGYSTVTFDG[Thr230Met]PSYGHTPSHH

ClinVar aggregate classification (germline): Uncertain significance. Review status: criteria provided, multiple submitters, no conflicts (2 of 4 stars). 7 submissions from 7 submitters: Uncertain significance (6). 1 of the submissions does not count toward it. Last evaluated 2024-11-22.

Conditions:
Wilms tumor 1 (WT1). Also called: Wilms tumor, somatic. Identifiers: Orphanet 654, MedGen CN033288, MONDO:0008679, OMIM 194070.
11p partial monosomy syndrome (WAGR). Also called: WAGR Spectrum Disorder; WAGR syndrome; WAGR Complex; CHROMOSOME 11p13 DELETION SYNDROME. Identifiers: Orphanet 893, MedGen C0206115, MONDO:0008681, OMIM 194072.
Frasier syndrome. Identifiers: Orphanet 347, MedGen C0950122, MeSH D052159, MONDO:0007635, OMIM 136680.
Drash syndrome (DDS). Also called: NEPHROPATHY, WILMS TUMOR, AND GENITAL ANOMALIES; WILMS TUMOR AND PSEUDO- OR TRUE HERMAPHRODITISM. Identifiers: Orphanet 220, MedGen C0950121, MONDO:0008682, OMIM 194080.
WT1-related disorder. Also called: WT1-related disorders. Identifiers: MedGen CN377814.
Inborn genetic diseases. Identifiers: MedGen C0950123, MeSH D030342.
Nephrotic syndrome, type 4 (NPHS4). Also called: Familial mesangial sclerosis; Nephrotic syndrome, early onset with diffuse mesangial sclerosis. Identifiers: Orphanet 656, MedGen C3151568, MONDO:0009733, OMIM 256370.
Meacham syndrome. Also called: Meacham Winn Culler syndrome. Identifiers: Orphanet 3097, MedGen C1837026, MONDO:0012164, OMIM 608978.
Mesothelioma, malignant (MESOM). Also called: Malignant mesothelioma (disease). Identifiers: Orphanet 50251, MedGen C0345967, MONDO:0006292, OMIM 156240, HP:0100001.

Allele frequency attached by ClinVar (database versions not stated): ExAC 0.00001; gnomAD exomes 0.00002; TOPMed 0.00004; gnomAD 0.00006.
gnomAD v4.1: 58 of 1,613,696 alleles (0.0036%); highest among the groups gnomAD compares: Non-Finnish European, 0.0047%; no homozygotes.

Submissions (7):

Ambry Genetics
Classification: Uncertain significance for Inborn genetic diseases. Last evaluated: 2024-11-22. Review status: criteria provided, single submitter. Criteria: Ambry Variant Classification Scheme 2023. Collection method: clinical testing. Allele origin: germline.
Comment: The p.T225M variant (also known as c.674C>T), located in coding exon 2 of the WT1 gene, results from a C to T substitution at nucleotide position 674. The threonine at codon 225 is replaced by methionine, an amino acid with similar properties. This amino acid position is conserved. In addition, the in silico prediction for this alteration is inconclusive. Based on the available evidence, the clinical significance of this variant remains unclear.

GeneDx
Classification: Uncertain significance. Last evaluated: 2024-07-30. Review status: criteria provided, single submitter. Criteria: GeneDx Variant Classification Process June 2021. Collection method: clinical testing. Allele origin: germline. Affected: yes.
Comment: In silico analysis indicates that this missense variant does not alter protein structure/function; Has not been previously published as pathogenic or benign to our knowledge; This variant is associated with the following publications: (PMID: 8486616)

Color Diagnostics, LLC DBA Color Health
Classification: Uncertain significance for Wilms tumor 1. Last evaluated: 2024-04-02. Review status: criteria provided, single submitter. Criteria: ACMG Guidelines, 2015. Collection method: clinical testing. Allele origin: germline.
Comment: This missense variant replaces threonine with methionine at codon 225 of the WT1 protein. Computational prediction suggests that this variant may not impact protein structure and function. To our knowledge, functional studies have not been reported for this variant. This variant has not been reported in individuals affected with WT1-related disorders in the literature. This variant has been identified in 6/281938 chromosomes in the general population by the Genome Aggregation Database (gnomAD). The available evidence is insufficient to determine the role of this variant in disease conclusively. Therefore, this variant is classified as a Variant of Uncertain Significance.

Fulgent Genetics
Classification: Uncertain significance for Frasier syndrome; Mesothelioma, malignant; Wilms tumor 1; Drash syndrome; Nephrotic syndrome, type 4; Meacham syndrome. Last evaluated: 2024-01-20. Review status: criteria provided, single submitter. Criteria: ACMG Guidelines, 2015. Collection method: clinical testing. Allele origin: germline.

All of Us Research Program, National Institutes of Health
Classification: Uncertain significance for Wilms tumor 1. Last evaluated: 2023-10-30. Review status: criteria provided, single submitter. Criteria: ACMG Guidelines, 2015. Collection method: clinical testing. Allele origin: germline. Inheritance: Autosomal dominant inheritance. Observed: 3 variant alleles, 3 heterozygotes.
Comment: This study involves interpretation of variants in research participants for the purpose of population health screening. Participant phenotype was not available at the time of variant classification. Additional details can be found in publication PMID: 35346344, PMCID: PMC8962531

Labcorp Genetics (formerly Invitae), Labcorp
Classification: Uncertain significance for Wilms tumor 1; Drash syndrome; 11p partial monosomy syndrome; Frasier syndrome. Last evaluated: 2022-10-31. Review status: criteria provided, single submitter. Criteria: Invitae Variant Classification Sherloc (09022015). Collection method: clinical testing. Allele origin: germline.
Comment: This sequence change replaces threonine, which is neutral and polar, with methionine, which is neutral and non-polar, at codon 225 of the WT1 protein (p.Thr225Met). This variant is present in population databases (rs777166391, gnomAD 0.005%). This variant has not been reported in the literature in individuals affected with WT1-related conditions. ClinVar contains an entry for this variant (Variation ID: 572953). Algorithms developed to predict the effect of missense changes on protein structure and function are either unavailable or do not agree on the potential impact of this missense change (SIFT: "Deleterious"; PolyPhen-2: "Possibly Damaging"; Align-GVGD: "Class C15"). In summary, the available evidence is currently insufficient to determine the role of this variant in disease. Therefore, it has been classified as a Variant of Uncertain Significance.

PreventionGenetics, part of Exact Sciences
Classification: Uncertain significance for WT1-related condition. Last evaluated: 2024-03-06. Review status: no assertion criteria provided. Collection method: clinical testing. Allele origin: germline. Not counted in ClinVar's aggregate classification.
Comment: The WT1 c.674C>T variant is predicted to result in the amino acid substitution p.Thr225Met. To our knowledge, this variant has not been reported in the literature. This variant is reported in 0.0047% of alleles in individuals of European (Non-Finnish) descent in gnomAD. At this time, the clinical significance of this variant is uncertain due to the absence of conclusive functional and genetic evidence.